The following is an entry in ClinVar:

ClinVar aggregate classification (germline): Uncertain significance (1 of 4 stars; one submission).

Conditions:
Hereditary cancer-predisposing syndrome. Also called: Neoplastic Syndromes, Hereditary; Tumor predisposition; Hereditary Cancer Syndrome; Hereditary neoplastic syndrome. Identifiers: Orphanet 140162, MedGen C0027672, MeSH D009386, MONDO:0015356.

Submission:

Ambry Genetics
Classification: Uncertain significance for Hereditary cancer-predisposing syndrome. Last evaluated: 2022-05-10. Review status: criteria provided, single submitter. Criteria: Ambry Variant Classification Scheme 2023. Collection method: clinical testing. Allele origin: germline.
Comment: The p.I663F variant (also known as c.1987A>T), located in coding exon 14 of the MSH3 gene, results from an A to T substitution at nucleotide position 1987. The isoleucine at codon 663 is replaced by phenylalanine, an amino acid with highly similar properties. This amino acid position is conserved. In addition, this alteration is predicted to be tolerated by in silico analysis. Since supporting evidence is limited at this time, the clinical significance of this alteration remains unclear.

NM_002439.5(MSH3):c.1987A>T (p.Ile663Phe)

Gene: MSH3 (mutS homolog 3; plus strand). Cytogenetic location: 5q14.1.
Variant type: single nucleotide variant.
Coding change: c.1987A>T on transcript NM_002439.5 (MANE Select); coding-DNA position 1987, A replaced by T.
Protein change: p.Ile663Phe; replaces isoleucine 663 with phenylalanine.
Molecular consequence: missense variant.
Genome position (GRCh38, 1-based): chr5:80,768,023, A>T. VCF-style: chr5-80768023-A-T. GRCh37 (hg19) VCF-style: chr5-80063842-A-T.
Other names: short protein forms I663F.
Identifiers: ClinVar variation 1783885 (VCV001783885.2), dbSNP rs1580033845, ClinGen allele CA360277653.